The following is an entry in ClinVar:

NM_001145026.2(PTPRQ):c.54+8G>A

Gene: PTPRQ (protein tyrosine phosphatase receptor type Q; plus strand). Cytogenetic location: 12q21.31.
Variant type: single nucleotide variant.
Coding change: c.54+8G>A on transcript NM_001145026.2 (MANE Select); 8 bases into the intron after coding-DNA position 54, G replaced by A.
Molecular consequence: intron variant.
Genome position (GRCh38, 1-based): chr12:80,444,407, G>A. VCF-style: chr12-80444407-G-A. GRCh37 (hg19) VCF-style: chr12-80838187-G-A.
Identifiers: ClinVar variation 680330 (VCV000680330.44), dbSNP rs372908419, ClinGen allele CA6702286.

ClinVar aggregate classification (germline): Conflicting classifications of pathogenicity. Review status: criteria provided, conflicting classifications (1 of 4 stars). 3 submissions from 3 submitters: Uncertain significance (1); Likely benign (1). 1 of the submissions does not count toward it. Last evaluated 2019-09-01.

Conditions:
PTPRQ-related disorder. Also called: PTPRQ-related condition.

Allele frequency attached by ClinVar (database versions not stated): ExAC 0.00026; ESP Exome Variant Server 0.00044; 1000 Genomes Project 30x 0.00047; TOPMed 0.00051; gnomAD 0.00054 and 0.00059; 1000 Genomes Project 0.00060.
gnomAD v4.1: 170 of 1,417,752 alleles (0.012%); highest among the groups gnomAD compares: African/African-American, 0.14%; 1 homozygote.

Submissions (3):

CeGaT Center for Human Genetics Tuebingen
Classification: Uncertain significance. Last evaluated: 2019-09-01. Review status: criteria provided, single submitter. Criteria: CeGaT Center For Human Genetics Tuebingen Variant Classification Criteria Version 2. Collection method: clinical testing. Allele origin: germline. Affected: yes. Observed: 1 variant allele.

GeneDx
Classification: Likely benign. Last evaluated: 2018-04-24. Review status: criteria provided, single submitter. Criteria: GeneDx Variant Classification (06012015). Collection method: clinical testing. Allele origin: germline. Affected: yes.
Comment: This variant is considered likely benign or benign based on one or more of the following criteria: it is a conservative change, it occurs at a poorly conserved position in the protein, it is predicted to be benign by multiple in silico algorithms, and/or has population frequency not consistent with disease.

PreventionGenetics, part of Exact Sciences
Classification: Likely benign for PTPRQ-related condition. Last evaluated: 2019-03-27. Review status: no assertion criteria provided. Collection method: clinical testing. Allele origin: germline. Not counted in ClinVar's aggregate classification.
Comment: This variant is classified as likely benign based on ACMG/AMP sequence variant interpretation guidelines (Richards et al. 2015 PMID: 25741868, with internal and published modifications).